The following is an entry in ClinVar:

NM_006767.4(LZTR1):c.1777del (p.Gln593fs)

Gene: LZTR1 (leucine zipper like post translational regulator 1; plus strand). Cytogenetic location: 22q11.21.
Variant type: Deletion.
Coding change: c.1777del on transcript NM_006767.4 (MANE Select); coding-DNA position 1777, one base deleted (C; older notation c.1777delC).
Protein change: p.Gln593fs; shifts the reading frame from glutamine 593.
Molecular consequence: frameshift variant.
Genome position (GRCh38, 1-based): chr22:20,994,719, C deleted; the last of 2 consecutive C bases (chr22:20,994,718-20,994,719); deleting either gives the same sequence. VCF-style (leftmost placement, unchanged base first): chr22-20994717-GC-G. GRCh37 (hg19) VCF-style: chr22-21349006-GC-G.
Other names: short protein forms Q593fs.
Identifiers: ClinVar variation 2035228 (VCV002035228.4), dbSNP rs2518622053, ClinGen allele CA2577656249.
Genomic context (GRCh38, chr22:20,994,717, plus strand): 5'-CCTCCGTGGACCTGCAGAACGTGCTGGTTGTGTGCGAGAGTGCCGCCCGGCTGCAGCTGA[GC>G]CAACTCAAGGTGTGGGGTGGGGTCAGCGCAATCAGGGTTGGGTGGGGTGTGCTCAGGCTT-3'

ClinVar aggregate classification (germline): Pathogenic (1 of 4 stars; one submission).

Submission:

Labcorp Genetics (formerly Invitae), Labcorp
Classification: Pathogenic. Last evaluated: 2022-12-13. Review status: criteria provided, single submitter. Criteria: Invitae Variant Classification Sherloc (09022015). Collection method: clinical testing. Allele origin: germline.
Comment: This variant has not been reported in the literature in individuals affected with LZTR1-related conditions. For these reasons, this variant has been classified as Pathogenic. This variant is not present in population databases (gnomAD no frequency). This sequence change creates a premature translational stop signal (p.Gln593Asnfs*7) in the LZTR1 gene. It is expected to result in an absent or disrupted protein product. Loss-of-function variants in LZTR1 are known to be pathogenic (PMID: 24362817, 25335493, 25480913, 25795793, 29469822, 30368668, 30442762, 30442766, 30481304, 30859559).

Literature cited by the submitters: PubMed 24362817; PubMed 25335493; PubMed 25480913; PubMed 25795793; PubMed 29469822; PubMed 30368668; PubMed 30442762; PubMed 30442766; PubMed 30481304; PubMed 30859559.